The following is an entry in ClinVar:

ClinVar aggregate classification (germline): Likely pathogenic. Review status: criteria provided, multiple submitters, no conflicts (2 of 4 stars). 2 submissions from 2 submitters: Likely pathogenic (2). Last evaluated 2025-08-24.

Conditions:
Charcot-Marie-Tooth disease, axonal, autosomal recessive, type 2a2b;. Also called: Charcot-Marie-Tooth disease, axonal, autosomal recessive, type 2A2B; Charcot-Marie-Tooth disease, axonal, type 2A2B. Identifiers: MedGen C4310725, MONDO:0014906, OMIM 617087.
Charcot-Marie-Tooth disease type 2. Also called: Charcot-Marie-Tooth type 2. Identifiers: Orphanet 64746, MedGen C0270914, MONDO:0018993.

Allele frequency attached by ClinVar (database versions not stated): gnomAD exomes below 0.00001.
gnomAD v4.1: 1 of 1,614,252 alleles (0.000062%); highest among the groups gnomAD compares: Non-Finnish European, 0.000085%; no homozygotes.

Submissions (2):

Labcorp Genetics (formerly Invitae), Labcorp
Classification: Likely pathogenic for Charcot-Marie-Tooth disease type 2. Last evaluated: 2025-08-24. Review status: criteria provided, single submitter. Criteria: Invitae Variant Classification Sherloc (09022015). Collection method: clinical testing. Allele origin: germline.
Comment: This sequence change affects a donor splice site in intron 11 of the MFN2 gene. It is expected to disrupt RNA splicing. Variants that disrupt the donor or acceptor splice site typically lead to a loss of protein function (PMID: 16199547), and loss-of-function variants in MFN2 are known to be pathogenic (PMID: 16714318, 16835246, 21715711, 23781337, 26955893). This variant is not present in population databases (gnomAD no frequency). Disruption of this splice site has been observed in individual(s) with clinical features of Charcot-Marie-Tooth disease (PMID: 33415332; internal data). ClinVar contains an entry for this variant (Variation ID: 543243). Algorithms developed to predict the effect of sequence changes on RNA splicing suggest that this variant may disrupt the consensus splice site. In summary, the currently available evidence indicates that the variant is pathogenic, but additional data are needed to prove that conclusively. Therefore, this variant has been classified as Likely Pathogenic.

Institute of Human Genetics, University of Leipzig Medical Center
Classification: Likely pathogenic for Charcot-Marie-Tooth disease, axonal, autosomal recessive, type 2a2b;. Last evaluated: 2023-01-30. Review status: criteria provided, single submitter. Criteria: ACMG Guidelines, 2015. Collection method: clinical testing. Allele origin: unknown. Affected: yes.
Comment: This variant was identified together with _x000D_NM_014874.4:c.2119C>T. Criteria applied: PVS1, PM2_SUP

Literature cited by the submitters: PubMed 16199547 (cited by Labcorp Genetics (formerly Invitae), Labcorp); PubMed 16714318 (cited by Labcorp Genetics (formerly Invitae), Labcorp); PubMed 16835246 (cited by Labcorp Genetics (formerly Invitae), Labcorp); PubMed 21715711 (cited by Labcorp Genetics (formerly Invitae), Labcorp); PubMed 23781337 (cited by Labcorp Genetics (formerly Invitae), Labcorp); PubMed 26955893 (cited by Labcorp Genetics (formerly Invitae), Labcorp); PubMed 33415332 (cited by Labcorp Genetics (formerly Invitae), Labcorp).

NM_014874.4(MFN2):c.1160+1G>A

Gene: MFN2 (mitofusin 2; plus strand). Cytogenetic location: 1p36.22.
Variant type: single nucleotide variant.
Coding change: c.1160+1G>A on transcript NM_014874.4 (MANE Select); the canonical splice donor site of the intron after coding-DNA position 1160, G replaced by A.
Molecular consequence: splice donor variant.
Genome position (GRCh38, 1-based): chr1:12,002,104, G>A. VCF-style: chr1-12002104-G-A. GRCh37 (hg19) VCF-style: chr1-12062161-G-A.
Other names: c.1160+1G>A (NM_001127660.2).
Identifiers: ClinVar variation 543243 (VCV000543243.10), dbSNP rs1553144086, ClinGen allele CA338443444.